The following is an entry in ClinVar:

NM_000543.5(SMPD1):c.1440del (p.Ala481fs)

Gene: SMPD1 (sphingomyelin phosphodiesterase 1; plus strand). Cytogenetic location: 11p15.4.
Variant type: Deletion.
Coding change: c.1440del on transcript NM_000543.5 (MANE Select); coding-DNA position 1440, one base deleted (A; older notation c.1440delA).
Protein change: p.Ala481fs; shifts the reading frame from alanine 481.
Molecular consequence: frameshift variant. On other transcripts: non-coding transcript variant (2).
Genome position (GRCh38, 1-based): chr11:6,393,995, A deleted. VCF-style (leftmost placement, unchanged base first): chr11-6393994-TA-T. GRCh37 (hg19) VCF-style: chr11-6415224-TA-T.
Other names: c.1437del, p.Ala480fs (NM_001007593.3); c.1440del, p.Ala481fs (NM_001318087.2); c.519del, p.Ala174fs (NM_001318088.2); c.1308del, p.Ala437fs (NM_001365135.2); short protein forms A174fs, A437fs, A480fs, A481fs.
Identifiers: ClinVar variation 4061970 (VCV004061970.2).

ClinVar aggregate classification (germline): Likely pathogenic (1 of 4 stars; one submission).

Conditions:
Niemann-Pick disease, type A. Also called: SPHINGOMYELIN LIPIDOSIS; SPHINGOMYELINASE DEFICIENCY; Infantile Neurovisceral ASMD (Niemann-Pick Disease Type A; NPD-A). Identifiers: Orphanet 77292, MedGen C0268242, MONDO:0009756, OMIM 257200. Disease mechanism: loss of function.

Submission:

Natera, Inc.
Classification: Likely pathogenic for Niemann-Pick Disease, Types A/B. Last evaluated: 2025-04-10. Review status: criteria provided, single submitter. Criteria: Natera Variant Classification Schema (03/2026). Collection method: clinical testing. Allele origin: germline.
Comment: The c.1440del variant in SMPD1 is a frameshift variant predicted to shift the reading frame beginning at codon 481 and leads to a stop codon 22 codons downstream. This variant is expected to result in nonsense mediated decay, truncation, or a dysfunctional protein product. This variant is rare in the general population with a frequency below the threshold expected for the associated phenotype(s). Given the available evidence, this variant is classified as Likely Pathogenic.